The following is an entry in ClinVar:

NM_024514.5(CYP2R1):c.367+1G>A

Genes: CYP2R1 (cytochrome P450 family 2 subfamily R member 1; minus strand), PDE3B (phosphodiesterase 3B; plus strand). Cytogenetic location: 11p15.2.
Variant type: single nucleotide variant.
Coding change: c.367+1G>A on transcript NM_024514.5 (MANE Select); the canonical splice donor site of the intron after coding-DNA position 367, G replaced by A.
Molecular consequence: splice donor variant.
Genome position (GRCh38, 1-based): chr11:14,885,775, C>T on the plus strand (G>A on the coding strand, the complement: CYP2R1 is on the minus strand). VCF-style: chr11-14885775-C-T. GRCh37 (hg19) VCF-style: chr11-14907321-C-T.
Other names: IVS2DS, G-A, +1; c.22+1G>A (NM_001400558.1, NM_001400566.1, NM_001377227.1 and 6 more transcripts); c.322+1G>A (NM_001400568.1); c.77+1G>A (NM_001400562.1, NM_001400564.1, NM_001400565.1 and 1 more transcripts); c.223+1G>A (NM_001400567.1); c.205+1G>A (NM_001377217.1).
Identifiers: ClinVar variation 977184 (VCV000977184.9), dbSNP rs202011621, ClinGen allele CA5896714.
Genomic context (GRCh38, chr11:14,885,775, plus strand): 5'-AAATAAGGAATGTGATTTAAAATATCTTAGTAAATCACTAAATAGGTGCAAATAAACATA[C>T]CTCCCATTTTTGTCATCTTCATGAATAAAGGAAGGCATGGTCTGTCTGCAAAAATTTCGC-3'

ClinVar aggregate classification (germline): Pathogenic/Likely pathogenic. Review status: criteria provided, multiple submitters, no conflicts (2 of 4 stars). 5 submissions from 5 submitters: Pathogenic (3); Likely pathogenic (1). 1 of the submissions does not count toward it. Last evaluated 2024-09-03.

Conditions:
Vitamin D hydroxylation-deficient rickets, type 1B. Also called: PSEUDOVITAMIN D3 DEFICIENCY RICKETS DUE TO 25-HYDROXYLASE DEFICIENCY; VITAMIN D-DEPENDENT RICKETS, TYPE 1B; Rickets due to Defect in Vitamin D 25-hydroxylation. Identifiers: Orphanet 289157, MedGen C1838657, MONDO:0010810, OMIM 600081.

Allele frequency attached by ClinVar (database versions not stated): gnomAD below 0.00001 and 0.00001; TOPMed 0.00001; ExAC 0.00002; gnomAD exomes 0.00002; 1000 Genomes Project 30x 0.00016; 1000 Genomes Project 0.00020.
gnomAD v4.1: 8 of 1,612,054 alleles (0.0005%); highest among the groups gnomAD compares: East Asian, 0.011%; no homozygotes.

Submissions (5):

Labcorp Genetics (formerly Invitae), Labcorp
Classification: Pathogenic. Last evaluated: 2024-09-03. Review status: criteria provided, single submitter. Criteria: Invitae Variant Classification Sherloc (09022015). Collection method: clinical testing. Allele origin: germline.
Comment: This sequence change affects a donor splice site in intron 2 of the CYP2R1 gene. It is expected to disrupt RNA splicing. Variants that disrupt the donor or acceptor splice site typically lead to a loss of protein function (PMID: 16199547), and loss-of-function variants in CYP2R1 are known to be pathogenic (PMID: 15128933, 22855339, 25942481, 33715104). This variant is present in population databases (rs202011621, gnomAD 0.02%). Disruption of this splice site has been observed in individual(s) with CYP2R1-related conditions (PMID: 34137732). It has also been observed to segregate with disease in related individuals. ClinVar contains an entry for this variant (Variation ID: 977184). Algorithms developed to predict the effect of sequence changes on RNA splicing suggest that this variant may disrupt the consensus splice site. For these reasons, this variant has been classified as Pathogenic.

Genomic Medicine Center of Excellence, King Faisal Specialist Hospital and Research Centre
Classification: Pathogenic for Vitamin D hydroxylation-deficient rickets, type 1B. Last evaluated: 2024-03-17. Review status: criteria provided, single submitter. Criteria: ACMG Guidelines, 2015. Collection method: research. Allele origin: germline.

Genetics and Genomic Medicine Centre, NeuroGen Healthcare, NeuroGen Healthcare
Classification: Likely pathogenic for Vitamin D hydroxylation-deficient rickets, type 1B. Last evaluated: 2021-05-03. Review status: criteria provided, single submitter. Criteria: Submitter's publication. Collection method: clinical testing. Allele origin: unknown. Affected: no.

Juno Genomics, Hangzhou Juno Genomics, Inc
Classification: Pathogenic for Vitamin D hydroxylation-deficient rickets, type 1B. Review status: criteria provided, single submitter. Criteria: ACMG Guidelines, 2015. Collection method: clinical testing. Allele origin: germline.
Comment: Absent from controls (or at extremely low frequency if recessive) in Genome Aggregation Database.;Null variant in a gene where loss of function (LOF) is a known mechanism of disease.;For recessive disorders, detected in trans with a pathogenic variant.

OMIM
Classification: Pathogenic for VITAMIN D HYDROXYLATION-DEFICIENT RICKETS, TYPE 1B. Last evaluated: 2012-10-01. Review status: no assertion criteria provided. Collection method: literature only. Allele origin: germline. Not counted in ClinVar's aggregate classification.

Literature cited by the submitters: PubMed 16199547 (cited by Labcorp Genetics (formerly Invitae), Labcorp); PubMed 15128933 (cited by Labcorp Genetics (formerly Invitae), Labcorp); PubMed 22855339 (cited by Labcorp Genetics (formerly Invitae), Labcorp and OMIM); PubMed 25942481 (cited by Labcorp Genetics (formerly Invitae), Labcorp); PubMed 33715104 (cited by Labcorp Genetics (formerly Invitae), Labcorp); PubMed 34137732 (cited by Labcorp Genetics (formerly Invitae), Labcorp).